The following is an entry in ClinVar:

ClinVar aggregate classification (germline): Pathogenic (1 of 4 stars; one submission).

Conditions:
Inborn genetic diseases. Identifiers: MedGen C0950123, MeSH D030342.

Submission:

Ambry Genetics
Classification: Pathogenic for Inborn genetic diseases. Last evaluated: 2025-05-09. Review status: criteria provided, single submitter. Criteria: Ambry Variant Classification Scheme 2023. Collection method: clinical testing. Allele origin: germline.
Comment: The c.4176_6277del (p.G1393Ifs*7) alteration, located in coding exon 11 of the ACAN gene, consists of a deletion of 2101 nucleotides from position 4176 to 6277, causing a translational frameshift with a predicted alternate stop codon after 7 amino acids. This alteration is expected to result in loss of function by premature protein truncation or nonsense-mediated mRNA decay. This variant was not reported in population-based cohorts in the Genome Aggregation Database (gnomAD). Based on the available evidence, this alteration is classified as pathogenic.

NM_001369268.1(ACAN):c.4176_6277del (p.Gly1393fs)

Gene: ACAN (aggrecan; plus strand). Cytogenetic location: 15q26.1.
Variant type: Deletion.
Coding change: c.4176_6277del on transcript NM_001369268.1 (MANE Select); coding-DNA positions 4176 to 6277, 2,102 bases deleted.
Protein change: p.Gly1393fs; shifts the reading frame from glycine 1393.
Molecular consequence: frameshift variant.
Genome position (GRCh38, 1-based): chr15:88,856,761-88,858,862, 2,102 bases deleted. GRCh37 (hg19): chr15:89,399,992-89,402,093.
Other names: c.4176_6277del, p.Gly1393fs (NM_001135.4, NM_001411096.1, NM_001411097.1 and 1 more transcripts); short protein forms G1393fs.
Identifiers: ClinVar variation 3996969 (VCV003996969.1).